The following is an entry in ClinVar:

ClinVar aggregate classification (germline): Uncertain significance. Review status: criteria provided, multiple submitters, no conflicts (2 of 4 stars). 2 submissions from 2 submitters: Uncertain significance (2). Last evaluated 2021-10-14.

Conditions:
Hereditary nonpolyposis colorectal neoplasms. Identifiers: MedGen C0009405, MeSH D003123.

Submissions (2):

Labcorp Genetics (formerly Invitae), Labcorp
Classification: Uncertain significance for Hereditary nonpolyposis colorectal neoplasms. Last evaluated: 2021-10-14. Review status: criteria provided, single submitter. Criteria: Invitae Variant Classification Sherloc (09022015). Collection method: clinical testing. Allele origin: germline.

Women's Health and Genetics/Laboratory Corporation of America, LabCorp
Classification: Uncertain significance. Last evaluated: 2017-12-11. Review status: criteria provided, single submitter. Criteria: LabCorp Variant Classification Summary - May 2015. Collection method: clinical testing. Allele origin: germline.
Comment: Variant summary: The PMS2 c.2446-5C>G variant involves the alteration of a non-conserved intronic nucleotide. One in silico tool predicts a benign outcome for this variant. 5/5 splice prediction tools predict a significant impact on normal splicing. However, these predictions have yet to be confirmed by functional studies. This variant is absent in 110672 control chromosomes in gnomAD. The variant of interest has not, to our knowledge, been reported in affected individuals via publications and/or reputable databases/clinical diagnostic laboratories; nor evaluated for functional impact by in vivo/vitro studies. Because of the absence of clinical information and the lack of functional studies, the variant is classified as a variant of uncertain significance (VUS).

NM_000535.7(PMS2):c.2446-5C>G

Gene: PMS2 (PMS1 homolog 2, mismatch repair system component; minus strand). Cytogenetic location: 7p22.1.
Variant type: single nucleotide variant.
Coding change: c.2446-5C>G on transcript NM_000535.7 (MANE Select); 5 bases into the intron before coding-DNA position 2446, C replaced by G.
Molecular consequence: intron variant.
Genome position (GRCh38, 1-based): chr7:5,973,547, G>C on the plus strand (C>G on the coding strand, the complement: PMS2 is on the minus strand). VCF-style: chr7-5973547-G-C. GRCh37 (hg19) VCF-style: chr7-6013178-G-C.
Other names: c.2128-5C>G (NM_001322008.2, NM_001322007.2); c.1885-5C>G (NM_001322010.2); c.2041-5C>G (NM_001322004.2, NM_001322003.2, NM_001322005.2); c.1873-5C>G (NM_001322013.2); c.1513-5C>G (NM_001322012.2, NM_001322011.2); c.2137-5C>G (NM_001322015.2); c.2290-5C>G (NM_001322006.2); c.2479-5C>G (NM_001322014.2); and 1 more.
Identifiers: ClinVar variation 632951 (VCV000632951.4), dbSNP rs864622279, ClinGen allele CA913189362.